The following is an entry in ClinVar:

NM_015001.3(SPEN):c.9978C>G (p.Pro3326=)

Gene: SPEN (spen family transcriptional repressor; plus strand). Cytogenetic location: 1p36.13.
Variant type: single nucleotide variant.
Coding change: c.9978C>G on transcript NM_015001.3 (MANE Select); coding-DNA position 9978, C replaced by G.
Protein change: p.Pro3326=; no amino-acid change (proline 3326 retained).
Molecular consequence: synonymous variant.
Genome position (GRCh38, 1-based): chr1:15,936,218, C>G. VCF-style: chr1-15936218-C-G. GRCh37 (hg19) VCF-style: chr1-16262713-C-G.
Identifiers: ClinVar variation 4873526 (VCV004873526.2).

ClinVar aggregate classification (germline): Likely benign (1 of 4 stars; one submission).

gnomAD v4.1: 4 of 1,564,686 alleles (0.00026%); highest among the groups gnomAD compares: Middle Eastern, 0.017%; no homozygotes.

Submission:

CeGaT Center for Human Genetics Tuebingen
Classification: Likely benign. Last evaluated: 2026-05-01. Review status: criteria provided, single submitter. Criteria: CeGaT Center For Human Genetics Tuebingen Variant Classification Criteria Version 2. Collection method: clinical testing. Allele origin: germline. Affected: yes. Observed: 2 variant alleles.
Comment: SPEN: BP4, BP7